The following is an entry in ClinVar:

NM_016417.3(GLRX5):c.32C>T (p.Ala11Val)

Gene: GLRX5 (glutaredoxin 5; plus strand). Cytogenetic location: 14q32.13.
Variant type: single nucleotide variant.
Coding change: c.32C>T on transcript NM_016417.3 (MANE Select); coding-DNA position 32, C replaced by T.
Protein change: p.Ala11Val; replaces alanine 11 with valine.
Molecular consequence: missense variant.
Genome position (GRCh38, 1-based): chr14:95,535,121, C>T. VCF-style: chr14-95535121-C-T. GRCh37 (hg19) VCF-style: chr14-96001458-C-T.
Other names: short protein forms A11V.
Identifiers: ClinVar variation 1360535 (VCV001360535.8), dbSNP rs1390109139, ClinGen allele CA390896170.

ClinVar aggregate classification (germline): Uncertain significance (1 of 4 stars; one submission).

gnomAD v4.1: 5 of 1,271,838 alleles (0.00039%); highest among the groups gnomAD compares: Middle Eastern, 0.031%; no homozygotes.

Submission:

Labcorp Genetics (formerly Invitae), Labcorp
Classification: Uncertain significance. Last evaluated: 2025-05-05. Review status: criteria provided, single submitter. Criteria: Invitae Variant Classification Sherloc (09022015). Collection method: clinical testing. Allele origin: germline.
Comment: This sequence change replaces alanine, which is neutral and non-polar, with valine, which is neutral and non-polar, at codon 11 of the GLRX5 protein (p.Ala11Val). This variant is not present in population databases (gnomAD no frequency). This variant has not been reported in the literature in individuals affected with GLRX5-related conditions. ClinVar contains an entry for this variant (Variation ID: 1360535). An algorithm developed to predict the effect of missense changes on protein structure and function outputs the following: PolyPhen-2: "Not Available". The valine amino acid residue is found in multiple mammalian species, which suggests that this missense change does not adversely affect protein function. In summary, the available evidence is currently insufficient to determine the role of this variant in disease. Therefore, it has been classified as a Variant of Uncertain Significance.